The following is an entry in ClinVar:

ClinVar aggregate classification (germline): Uncertain significance (1 of 4 stars; one submission).

Conditions:
Peutz-Jeghers syndrome (PJS). Also called: POLYPOSIS, HAMARTOMATOUS INTESTINAL; POLYPS-AND-SPOTS SYNDROME; Peutz-Jeghers polyposis; Periorificial lentiginosis syndrome. Identifiers: Orphanet 2869, MedGen C0031269, MeSH D010580, MONDO:0008280, OMIM 175200.

Submission:

Labcorp Genetics (formerly Invitae), Labcorp
Classification: Uncertain significance for Peutz-Jeghers syndrome. Last evaluated: 2023-04-08. Review status: criteria provided, single submitter. Criteria: Invitae Variant Classification Sherloc (09022015). Collection method: clinical testing. Allele origin: germline.
Comment: In summary, the available evidence is currently insufficient to determine the role of this variant in disease. Therefore, it has been classified as a Variant of Uncertain Significance. Advanced modeling of protein sequence and biophysical properties (such as structural, functional, and spatial information, amino acid conservation, physicochemical variation, residue mobility, and thermodynamic stability) performed at Invitae indicates that this missense variant is not expected to disrupt STK11 protein function. This variant has not been reported in the literature in individuals affected with STK11-related conditions. This variant is not present in population databases (gnomAD no frequency). This sequence change replaces serine, which is neutral and polar, with glycine, which is neutral and non-polar, at codon 169 of the STK11 protein (p.Ser169Gly).

NM_000455.5(STK11):c.505A>G (p.Ser169Gly)

Gene: STK11 (serine/threonine kinase 11; plus strand). Cytogenetic location: 19p13.3.
Variant type: single nucleotide variant.
Coding change: c.505A>G on transcript NM_000455.5 (MANE Select); coding-DNA position 505, A replaced by G.
Protein change: p.Ser169Gly; replaces serine 169 with glycine.
Molecular consequence: missense variant. On other transcripts: non-coding transcript variant (1).
Genome position (GRCh38, 1-based): chr19:1,220,413, A>G. VCF-style: chr19-1220413-A-G. GRCh37 (hg19) VCF-style: chr19-1220412-A-G.
Other names: c.505A>G, p.Ser169Gly (NM_001407255.1); short protein forms S169G.
Identifiers: ClinVar variation 2853555 (VCV002853555.3), dbSNP rs2145424278, ClinGen allele CA402948905.